The following is an entry in ClinVar:

ClinVar aggregate classification (germline): Uncertain significance (1 of 4 stars; one submission).

Submission:

Women's Health and Genetics/Laboratory Corporation of America, LabCorp
Classification: Uncertain significance. Last evaluated: 2024-08-27. Review status: criteria provided, single submitter. Criteria: LabCorp Variant Classification Summary - May 2015. Collection method: clinical testing. Allele origin: germline.
Comment: Variant summary: The variant involves the duplication of exons 6-52 in the COL4A1 gene. A presumed nomenclature of c.(324+1_325-1)_(*1401_?)dup has been designated for the purposes of this classification. The exact breakpoint at the 3' end of this variant is unknown, therefore this duplication may extend downstream of the annotated region of the gene. As it duplicates the termination codon, its effect on the encoded protein is unknown. The variant was absent in 21694 control chromosomes. The available data on variant occurrences in the general population are insufficient to allow any conclusion about variant significance. To our knowledge, no occurrence of c.(324+1_325-1)_(*1401_?)dup in individuals affected with Porencephaly 1 and no experimental evidence demonstrating its impact on protein function have been reported. No submitters have cited clinical-significance assessments for this variant to ClinVar. Based on the evidence outlined above, the variant was classified as uncertain significance.

NC_000013.10:g.(?_110801309)_(110864827_110864920)dup

Gene: COL4A1 (collagen type IV alpha 1 chain; minus strand). Cytogenetic location: 13q34.
Variant type: Duplication.
Identifiers: ClinVar variation 3366561 (VCV003366561.1).